The following is an entry in ClinVar:

NC_000010.10:g.(?_112540539)_(112595756_?)dup

Genes: RBM20 (RNA binding motif protein 20; plus strand), LOC130004734 (ATAC-STARR-seq lymphoblastoid active region 4043; plus strand). Cytogenetic location: 10q25.2.
Variant type: Duplication.
Identifiers: ClinVar variation 664455 (VCV000664455.2).

ClinVar aggregate classification (germline): Uncertain significance (1 of 4 stars; one submission).

Conditions:
Dilated cardiomyopathy 1DD (CMD1DD). Identifiers: Orphanet 154, MedGen C2750995, MONDO:0013168, OMIM 613172.

Submission:

Labcorp Genetics (formerly Invitae), Labcorp
Classification: Uncertain significance for Dilated cardiomyopathy 1DD. Last evaluated: 2022-08-16. Review status: criteria provided, single submitter. Criteria: Invitae Variant Classification Sherloc (09022015). Collection method: clinical testing. Allele origin: germline.
Comment: This variant results in a copy number gain of the genomic region encompassing exon(s) 2-14 of the RBM20 gene. This region includes the termination codon of the gene. This copy number gain extends beyond the assayed region for this gene and therefore may encompass additional genes. As the precise location of this event is unknown, it may be in tandem or it may be located elsewhere in the genome. This variant has not been reported in the literature in individuals affected with RBM20-related conditions. In summary, the available evidence is currently insufficient to determine the role of this variant in disease. Therefore, it has been classified as a Variant of Uncertain Significance.